The following is an entry in ClinVar:

ClinVar aggregate classification (germline): Benign/Likely benign. Review status: criteria provided, multiple submitters, no conflicts (2 of 4 stars). 2 submissions from 2 submitters: Benign (1); Likely benign (1). Last evaluated 2025-02-04.

Conditions:
Lynch syndrome 4 (LYNCH4). Also called: Hereditary non-polyposis colorectal cancer, type 4; Colorectal cancer, hereditary nonpolyposis, type 4. Identifiers: Orphanet 144, MedGen C1838333, MONDO:0013699, OMIM 614337. Disease mechanism: loss of function.
Hereditary nonpolyposis colorectal neoplasms. Identifiers: MedGen C0009405, MeSH D003123.

Submissions (2):

Myriad Genetics, Inc.
Classification: Benign for Lynch syndrome 4. Last evaluated: 2025-02-04. Review status: criteria provided, single submitter. Criteria: Myriad Autosomal Dominant, Autosomal Recessive and X-Linked Classification Criteria (2023). Collection method: clinical testing. Allele origin: unknown.
Comment: This variant is considered benign. This variant is a silent/synonymous amino acid change and it is not expected to impact splicing.

Labcorp Genetics (formerly Invitae), Labcorp
Classification: Likely benign for Hereditary nonpolyposis colorectal neoplasms. Last evaluated: 2022-02-18. Review status: criteria provided, single submitter. Criteria: Invitae Variant Classification Sherloc (09022015). Collection method: clinical testing. Allele origin: germline.

NM_000535.7(PMS2):c.2532C>G (p.Pro844=)

Gene: PMS2 (PMS1 homolog 2, mismatch repair system component; minus strand). Cytogenetic location: 7p22.1.
Variant type: single nucleotide variant.
Coding change: c.2532C>G on transcript NM_000535.7 (MANE Select); coding-DNA position 2532, C replaced by G.
Protein change: p.Pro844=; no amino-acid change (proline 844 retained).
Molecular consequence: synonymous variant. On other transcripts: non-coding transcript variant (1).
Genome position (GRCh38, 1-based): chr7:5,973,456, G>C on the plus strand (C>G on the coding strand, the complement: PMS2 is on the minus strand). VCF-style: chr7-5973456-G-C. GRCh37 (hg19) VCF-style: chr7-6013087-G-C.
Other names: c.2127C>G, p.Pro709= (NM_001322003.2, NM_001322004.2, NM_001322005.2); c.2376C>G, p.Pro792= (NM_001322006.2); c.2214C>G, p.Pro738= (NM_001322007.2, NM_001322008.2); c.2160C>G, p.Pro720= (NM_001322009.2); c.1971C>G, p.Pro657= (NM_001322010.2); c.1599C>G, p.Pro533= (NM_001322011.2, NM_001322012.2); c.1959C>G, p.Pro653= (NM_001322013.2); c.2565C>G, p.Pro855= (NM_001322014.2); and 1 more.
Identifiers: ClinVar variation 772563 (VCV000772563.11), dbSNP rs1554292744, ClinGen allele CA453642050.